The following is an entry in ClinVar:

NM_000091.5(COL4A3):c.1541G>C (p.Gly514Ala)

Genes: COL4A3 (collagen type IV alpha 3 chain; plus strand), MFF-DT (MFF divergent transcript; minus strand). Cytogenetic location: 2q36.3.
Variant type: single nucleotide variant.
Coding change: c.1541G>C on transcript NM_000091.5 (MANE Select); coding-DNA position 1541, G replaced by C.
Protein change: p.Gly514Ala; replaces glycine 514 with alanine.
Molecular consequence: missense variant.
Genome position (GRCh38, 1-based): chr2:227,269,946, G>C. VCF-style: chr2-227269946-G-C. GRCh37 (hg19) VCF-style: chr2-228134662-G-C.
Other names: short protein forms G514A.
Identifiers: ClinVar variation 3336000 (VCV003336000.2).

ClinVar aggregate classification (germline): Conflicting classifications of pathogenicity. Review status: criteria provided, conflicting classifications (1 of 4 stars). 2 submissions from 2 submitters: Likely pathogenic (1); Uncertain significance (1). Last evaluated 2024-05-13.

Conditions:
Autosomal dominant Alport syndrome (ATS3A). Also called: Alport syndrome dominant type; Renal failure and sensorineural hearing loss; ALPORT SYNDROME 3A, AUTOSOMAL DOMINANT. Identifiers: Orphanet 63, Orphanet 88918, MedGen C5882663, MONDO:0007086, OMIM 104200.
Hematuria, benign familial, 2 (BFH2). Identifiers: MedGen C5830421, MONDO:0958186, OMIM 620320.
Alport syndrome 3b, autosomal recessive. Identifiers: MedGen C5882699, MONDO:0957811, OMIM 620536.

Submissions (2):

Women's Health and Genetics/Laboratory Corporation of America, LabCorp
Classification: Uncertain significance. Last evaluated: 2024-05-13. Review status: criteria provided, single submitter. Criteria: LabCorp Variant Classification Summary - May 2015. Collection method: clinical testing. Allele origin: germline.
Comment: Variant summary: COL4A3 c.1541G>C (p.Gly514Ala) results in a non-conservative amino acid change located in the Collagen triple helix repeat (IPR008160) of the encoded protein sequence. Five of five in-silico tools predict a damaging effect of the variant on protein function. The variant was absent in 249374 control chromosomes (gnomAD). The available data on variant occurrences in the general population are insufficient to allow any conclusion about variant significance. To our knowledge, no occurrence of c.1541G>C in individuals affected with Alport Syndrome, Autosomal Recessive and no experimental evidence demonstrating its impact on protein function have been reported. No submitters have cited clinical-significance assessments for this variant to ClinVar. Based on the evidence outlined above, the variant was classified as uncertain significance.

Fulgent Genetics
Classification: Likely pathogenic for Autosomal dominant Alport syndrome; Hematuria, benign familial, 2; Alport syndrome 3b, autosomal recessive. Last evaluated: 2024-05-10. Review status: criteria provided, single submitter. Criteria: ACMG Guidelines, 2015. Collection method: clinical testing. Allele origin: germline.